The following is an entry in ClinVar:

NM_017780.4(CHD7):c.5330del (p.Phe1777fs)

Gene: CHD7 (chromodomain helicase DNA binding protein 7; plus strand). Cytogenetic location: 8q12.2.
Variant type: Deletion.
Coding change: c.5330del on transcript NM_017780.4 (MANE Select); coding-DNA position 5330, one base deleted (T; older notation c.5330delT).
Protein change: p.Phe1777fs; shifts the reading frame from phenylalanine 1777.
Molecular consequence: frameshift variant. On other transcripts: intron variant (1).
Genome position (GRCh38, 1-based): chr8:60,849,080, T deleted; the last of 3 consecutive T bases (chr8:60,849,078-60,849,080); deleting any one gives the same sequence. VCF-style (leftmost placement, unchanged base first): chr8-60849077-CT-C. GRCh37 (hg19) VCF-style: chr8-61761636-CT-C.
Other names: c.1717-13149del (NM_001316690.1); short protein forms F1777fs.
Identifiers: ClinVar variation 853417 (VCV000853417.7), dbSNP rs1805335711, ClinGen allele CA916080392.

ClinVar aggregate classification (germline): Pathogenic (1 of 4 stars; one submission).

Conditions:
CHARGE syndrome (CHARGE). Also called: CHARGE ASSOCIATION--COLOBOMA, HEART ANOMALY, CHOANAL ATRESIA, RETARDATION, GENITAL AND EAR ANOMALIES; Coloboma, heart anomaly, choanal atresia, retardation, genital and ear anomalies; CHARGE association; Hall-Hittner syndrome; Hittner Hirsch Kreh syndrome. Identifiers: Orphanet 138, MedGen C0265354, MONDO:0008965.

Submission:

Labcorp Genetics (formerly Invitae), Labcorp
Classification: Pathogenic for CHARGE syndrome. Last evaluated: 2019-12-11. Review status: criteria provided, single submitter. Criteria: Invitae Variant Classification Sherloc (09022015). Collection method: clinical testing. Allele origin: germline.
Comment: For these reasons, this variant has been classified as Pathogenic. Loss-of-function variants in CHD7 are known to be pathogenic (PMID: 22461308, 25077900). This variant has not been reported in the literature in individuals with CHD7-related conditions. This variant is not present in population databases (ExAC no frequency). This sequence change creates a premature translational stop signal (p.Phe1777Serfs*19) in the CHD7 gene. It is expected to result in an absent or disrupted protein product.

Literature cited by the submitters: PubMed 22461308; PubMed 25077900.